The following is an entry in ClinVar:

NM_001330311.2(DVL1):c.699G>T (p.Arg233=)

Gene: DVL1 (dishevelled segment polarity protein 1; minus strand). Cytogenetic location: 1p36.33.
Variant type: single nucleotide variant.
Coding change: c.699G>T on transcript NM_001330311.2 (MANE Select); coding-DNA position 699, G replaced by T.
Protein change: p.Arg233=; no amino-acid change (arginine 233 retained).
Molecular consequence: synonymous variant.
Genome position (GRCh38, 1-based): chr1:1,340,410, C>A on the plus strand (G>T on the coding strand, the complement: DVL1 is on the minus strand). VCF-style: chr1-1340410-C-A. GRCh37 (hg19) VCF-style: chr1-1275790-C-A.
Other names: c.699G>T, p.Arg233= (NM_004421.3).
Identifiers: ClinVar variation 843496 (VCV000843496.9), dbSNP rs771135299, ClinGen allele CA520526.
Genomic context (GRCh38, chr1:1,340,410, plus strand): 5'-GGGGCTGCCCGACACTGACTTCGCCTCCCCAGCCCCGCCCTGCTCCACCCGGCTGCCTAC[C>A]CGGTCCGCCTGCCGAAGGCGCTGCTTCCTCCGCCGGCGTTTGTGCTTCCGGATGAGTCTG-3'
Protein context (NP_001317240.1, residues 223-243): RRKQRLRQAD[Arg233=]ASSFSSITDS

ClinVar aggregate classification (germline): Uncertain significance (1 of 4 stars; one submission).

Allele frequency attached by ClinVar (database versions not stated): ExAC 0.00001; TOPMed 0.00002; gnomAD 0.00003.
gnomAD v4.1: 110 of 1,610,012 alleles (0.0068%); highest among the groups gnomAD compares: Non-Finnish European, 0.0088%; no homozygotes.

Submission:

Labcorp Genetics (formerly Invitae), Labcorp
Classification: Uncertain significance. Last evaluated: 2022-08-12. Review status: criteria provided, single submitter. Criteria: Invitae Variant Classification Sherloc (09022015). Collection method: clinical testing. Allele origin: germline.
Comment: The frequency data for this variant in the population databases is considered unreliable, as metrics indicate poor data quality at this position in the gnomAD database. This sequence change affects codon 233 of the DVL1 mRNA. It is a 'silent' change, meaning that it does not change the encoded amino acid sequence of the DVL1 protein. This variant also falls at the last nucleotide of exon 6, which is part of the consensus splice site for this exon. This variant has not been reported in the literature in individuals affected with DVL1-related conditions. ClinVar contains an entry for this variant (Variation ID: 843496). Variants that disrupt the consensus splice site are a relatively common cause of aberrant splicing (PMID: 17576681, 9536098). Algorithms developed to predict the effect of sequence changes on RNA splicing suggest that this variant is not likely to affect RNA splicing. In summary, the available evidence is currently insufficient to determine the role of this variant in disease. Therefore, it has been classified as a Variant of Uncertain Significance.

Literature cited by the submitters: PubMed 17576681; PubMed 9536098.